The following is an entry in ClinVar:

NM_001024383.2(NAV3):c.4972C>T (p.Pro1658Ser)

Gene: NAV3 (neuron navigator 3; plus strand). Cytogenetic location: 12q21.2.
Variant type: single nucleotide variant.
Coding change: c.4972C>T on transcript NM_001024383.2 (MANE Select); coding-DNA position 4972, C replaced by T.
Protein change: p.Pro1658Ser; replaces proline 1658 with serine.
Molecular consequence: missense variant.
Genome position (GRCh38, 1-based): chr12:78,168,857, C>T. VCF-style: chr12-78168857-C-T. GRCh37 (hg19) VCF-style: chr12-78562637-C-T.
Other names: c.4972C>T, p.Pro1658Ser (NM_014903.6); short protein forms P1658S.
Identifiers: ClinVar variation 3700794 (VCV003700794.2).

ClinVar aggregate classification (germline): Uncertain significance (1 of 4 stars; one submission).

gnomAD v4.1: 1 of 1,598,350 alleles (0.000063%); highest among the groups gnomAD compares: Admixed American, 0.0017%; no homozygotes.

Submission:

Labcorp Genetics (formerly Invitae), Labcorp
Classification: Uncertain significance. Last evaluated: 2024-11-23. Review status: criteria provided, single submitter. Criteria: Invitae Variant Classification Sherloc (09022015). Collection method: clinical testing. Allele origin: germline.
Comment: This sequence change replaces proline, which is neutral and non-polar, with serine, which is neutral and polar, at codon 1658 of the NAV3 protein (p.Pro1658Ser). This variant is not present in population databases (gnomAD no frequency). This variant has not been reported in the literature in individuals affected with NAV3-related conditions. An algorithm developed to predict the effect of missense changes on protein structure and function (PolyPhen-2) suggests that this variant is likely to be tolerated. In summary, the available evidence is currently insufficient to determine the role of this variant in disease. Therefore, it has been classified as a Variant of Uncertain Significance.